The following is an entry in ClinVar:

NM_014491.4(FOXP2):c.540GCAGCAGCAGCAACAGCA[1] (p.Gln186_Gln191del)

Gene: FOXP2 (forkhead box P2; plus strand). Cytogenetic location: 7q31.1.
Variant type: Microsatellite.
Coding change: c.540GCAGCAGCAGCAACAGCA[1] on transcript NM_014491.4 (MANE Select); one copy of the 18-base unit GCAGCAGCAGCAACAGCA starting at c.540; the reference has two copies in a row; one copy, 18 bases deleted.
Protein change: p.Gln186_Gln191del.
Molecular consequence: inframe deletion. On other transcripts: non-coding transcript variant (2).
Genome position (GRCh38, 1-based): chr7:114,629,966-114,629,983, GCAGCAGCAGCAACAGCA deleted; deleting any 18 consecutive bases within chr7:114,629,940-114,629,983 gives the same sequence; the position shown is the placement nearest the transcript's 3' end. VCF-style (leftmost placement, unchanged base first): chr7-114629939-ACAACAGCAGCAGCAGCAG-A. GRCh37 (hg19) VCF-style: chr7-114269994-ACAACAGCAGCAGCAGCAG-A.
Other names: c.540GCAGCAGCAGCAACAGCA[1], p.Gln186_Gln191del (NM_001172766.3, NM_148899.3); c.615GCAGCAGCAGCAACAGCA[1], p.Gln211_Gln216del (NM_001172767.2, NM_148898.4); c.591GCAGCAGCAGCAACAGCA[1], p.Gln203_Gln208del (NM_148900.4).
Identifiers: ClinVar variation 589492 (VCV000589492.26), dbSNP rs772134830, ClinGen allele CA4445838.

ClinVar aggregate classification (germline): Likely benign. Review status: criteria provided, multiple submitters, no conflicts (2 of 4 stars). 2 submissions from 2 submitters: Likely benign (2). Last evaluated 2026-03-01.

Conditions:
Inborn genetic diseases. Identifiers: MedGen C0950123, MeSH D030342.

Submissions (2):

CeGaT Center for Human Genetics Tuebingen
Classification: Likely benign. Last evaluated: 2026-03-01. Review status: criteria provided, single submitter. Criteria: CeGaT Center For Human Genetics Tuebingen Variant Classification Criteria Version 2. Collection method: clinical testing. Allele origin: germline. Affected: yes. Observed: 2 variant alleles.
Comment: FOXP2: BP3

Ambry Genetics
Classification: Likely benign for Inborn genetic diseases. Last evaluated: 2023-09-29. Review status: criteria provided, single submitter. Criteria: Ambry Variant Classification Scheme 2023. Collection method: clinical testing. Allele origin: germline.